The following is an entry in ClinVar:

ClinVar aggregate classification (germline): Uncertain significance. Review status: criteria provided, multiple submitters, no conflicts (2 of 4 stars). 4 submissions from 4 submitters: Uncertain significance (4). Last evaluated 2026-01-22.

Conditions:
Dilated cardiomyopathy 1O (CMD1O). Also called: CARDIOMYOPATHY, DILATED, WITH VENTRICULAR TACHYCARDIA. Identifiers: Orphanet 154, MedGen C1837839, MONDO:0012062, OMIM 608569.

Allele frequency attached by ClinVar (database versions not stated): 1000 Genomes Project 30x 0.00016; ExAC 0.00001; gnomAD 0.00001; gnomAD exomes below 0.00001; 1000 Genomes Project 0.00020.
gnomAD v4.1: 4 of 1,613,550 alleles (0.00025%); highest among the groups gnomAD compares: Middle Eastern, 0.017%; no homozygotes.

Submissions (4):

GeneDx
Classification: Uncertain significance. Last evaluated: 2026-01-22. Review status: criteria provided, single submitter. Criteria: GeneDx Variant Classification Process June 2021. Collection method: clinical testing. Allele origin: germline. Affected: yes.
Comment: Has not been previously published as pathogenic or benign to our knowledge; Not observed at significant frequency in large population cohorts (gnomAD); In silico analysis supports that this missense variant has a deleterious effect on protein structure/function

Labcorp Genetics (formerly Invitae), Labcorp
Classification: Uncertain significance for Dilated cardiomyopathy 1O. Last evaluated: 2024-09-06. Review status: criteria provided, single submitter. Criteria: Invitae Variant Classification Sherloc (09022015). Collection method: clinical testing. Allele origin: germline.
Comment: This sequence change replaces arginine, which is basic and polar, with tryptophan, which is neutral and slightly polar, at codon 916 of the ABCC9 protein (p.Arg916Trp). The frequency data for this variant in the population databases is considered unreliable, as metrics indicate poor data quality at this position in the gnomAD database. This variant has not been reported in the literature in individuals affected with ABCC9-related conditions. ClinVar contains an entry for this variant (Variation ID: 517469). Invitae Evidence Modeling of protein sequence and biophysical properties (such as structural, functional, and spatial information, amino acid conservation, physicochemical variation, residue mobility, and thermodynamic stability) indicates that this missense variant is expected to disrupt ABCC9 protein function with a positive predictive value of 95%. In summary, the available evidence is currently insufficient to determine the role of this variant in disease. Therefore, it has been classified as a Variant of Uncertain Significance.

Stanford Center for Inherited Cardiovascular Disease, Stanford University
Classification: Uncertain significance. Last evaluated: 2017-10-16. Review status: criteria provided, single submitter. Criteria: ACMG Guidelines, 2015. Collection method: provider interpretation. Allele origin: germline.

Laboratory for Molecular Medicine, Mass General Brigham Personalized Medicine
Classification: Uncertain significance. Last evaluated: 2017-06-28. Review status: criteria provided, single submitter. Criteria: LMM Criteria. Collection method: clinical testing. Allele origin: germline. Observed: 1 variant allele.
Comment: The p.Arg916Trp variant in ABCC9 has not been previously reported in individuals with cardiomyopathy or in large population studies. Computational prediction to ols and conservation analysis suggest that the p.Arg916Trp variant may impact th e protein, though this information is not predictive enough to determine pathoge nicity. In summary, the clinical significance of the p.Arg916Trp variant is unce rtain

NM_020297.4(ABCC9):c.2746C>T (p.Arg916Trp)

Gene: ABCC9 (ATP binding cassette subfamily C member 9; minus strand). Cytogenetic location: 12p12.1.
Variant type: single nucleotide variant.
Coding change: c.2746C>T on transcript NM_020297.4 (MANE Select); coding-DNA position 2746, C replaced by T.
Protein change: p.Arg916Trp; replaces arginine 916 with tryptophan.
Molecular consequence: missense variant.
Genome position (GRCh38, 1-based): chr12:21,852,120, G>A on the plus strand (C>T on the coding strand, the complement: ABCC9 is on the minus strand). VCF-style: chr12-21852120-G-A. GRCh37 (hg19) VCF-style: chr12-22005054-G-A.
Other names: c.2746C>T, p.Arg916Trp (NM_001377273.1, NM_005691.4); c.1879C>T, p.Arg627Trp (NM_001377274.1); short protein forms R916W, R627W.
Identifiers: ClinVar variation 517469 (VCV000517469.11), dbSNP rs533032970, ClinGen allele CA6481297.